The following is an entry in ClinVar:

NM_000709.4(BCKDHA):c.*324G>A

Gene: BCKDHA (branched chain keto acid dehydrogenase E1 subunit alpha; plus strand). Cytogenetic location: 19q13.2.
Variant type: single nucleotide variant.
Coding change: c.*324G>A on transcript NM_000709.4 (MANE Select); 324 bases downstream of the stop codon, G replaced by A.
Molecular consequence: 3 prime UTR variant.
Genome position (GRCh38, 1-based): chr19:41,424,932, G>A. VCF-style: chr19-41424932-G-A. GRCh37 (hg19) VCF-style: chr19-41930837-G-A.
Other names: c.*324G>A (NM_001164783.2).
Identifiers: ClinVar variation 329375 (VCV000329375.5), dbSNP rs564517344, ClinGen allele CA10642882.

ClinVar aggregate classification (germline): Likely benign (1 of 4 stars; one submission).

Conditions:
Maple syrup urine disease (MSUD). Identifiers: Orphanet 511, MedGen C0024776, MeSH D008375, MONDO:0009563. Disease mechanism: loss of function.

Allele frequency attached by ClinVar (database versions not stated): gnomAD 0.00001 and 0.00032; TOPMed 0.00006; gnomAD exomes 0.00067; 1000 Genomes Project 0.00200; 1000 Genomes Project 30x 0.00219.
gnomAD v4.1: 138 of 292,246 alleles (0.047%); highest among the groups gnomAD compares: South Asian, 0.95%; 2 homozygotes.

Submission:

Illumina Laboratory Services, Illumina
Classification: Likely benign for Maple syrup urine disease type 1A. Last evaluated: 2018-01-12. Review status: criteria provided, single submitter. Criteria: ICSL Variant Classification Criteria 13 December 2019. Collection method: clinical testing. Allele origin: germline.
Comment: This variant was observed in the ICSL laboratory as part of a predisposition screen in an ostensibly healthy population. It had not been previously curated by ICSL or reported in the Human Gene Mutation Database (HGMD: prior to June 1st, 2018), and was therefore a candidate for classification through an automated scoring system. Utilizing variant allele frequency, disease prevalence and penetrance estimates, and inheritance mode, an automated score was calculated to assess if this variant is too frequent to cause the disease. Based on the score and internal cut-off values, a variant classified as likely benign is not then subjected to further curation. The score for this variant resulted in a classification of likely benign for this disease.